The following is an entry in ClinVar:

NM_002693.3(POLG):c.248T>C (p.Leu83Pro)

Genes: POLG (DNA polymerase gamma, catalytic subunit; minus strand), POLGARF (POLG alternative reading frame; minus strand). Cytogenetic location: 15q26.1.
Variant type: single nucleotide variant.
Coding change: c.248T>C on transcript NM_002693.3 (MANE Select); coding-DNA position 248, T replaced by C.
Protein change: p.Leu83Pro; replaces leucine 83 with proline.
Molecular consequence: missense variant.
Genome position (GRCh38, 1-based): chr15:89,333,507, A>G on the plus strand (T>C on the coding strand, the complement: POLG is on the minus strand). VCF-style: chr15-89333507-A-G. GRCh37 (hg19) VCF-style: chr15-89876738-A-G.
Other names: c.248T>C, p.Leu83Pro (NM_001126131.2); short protein forms L83P.
Identifiers: ClinVar variation 619416 (VCV000619416.1), dbSNP rs1567194243, ClinGen allele CA10602229.

ClinVar aggregate classification (germline): Likely pathogenic (1 of 4 stars; one submission).

Conditions:
Progressive sclerosing poliodystrophy (MTDPS4A). Also called: Alpers-Huttenlocher Syndrome (AHS); Alpers Syndrome; ALPERS PROGRESSIVE INFANTILE POLIODYSTROPHY; Mitochondrial DNA depletion syndrome 4A (Alpers type); ALPERS DIFFUSE DEGENERATION OF CEREBRAL GRAY MATTER WITH HEPATIC CIRRHOSIS; Alpers-Huttenlocher Syndrome. Identifiers: Orphanet 726, MedGen C0205710, MONDO:0008758, OMIM 203700.

Submission:

Wong Mito Lab, Molecular and Human Genetics, Baylor College of Medicine
Classification: Likely pathogenic for Progressive sclerosing poliodystrophy. Last evaluated: 2018-10-01. Review status: criteria provided, single submitter. Criteria: ACMG Guidelines, 2015. Collection method: clinical testing. Allele origin: germline.
Comment: The NM_002693.2:c.248T>C (NP_002684.1:p.Leu83Pro) [GRCH38: NC_000015.10:g.89333507A>G] variant in POLG gene is interpretated to be a Likely Pathogenic based on ACMG guidelines (PMID: 25741868). This variant meets the following evidence codes reported in the ACMG-guideline. PM2:This variant is absent in key population databases. PM3:Detected in trans with a pathogenic variant for Mitochondrial DNA depletion syndrome 4A (Alpers type) which is a recessive disorder. PP1:This variant is co-segregated with Mitochondrial DNA depletion syndrome 4A (Alpers type) in multiple affected family members. PP2:This is a missense variant in POLG with a low rate of benign and high rate of pathogenic missense variations. PP3:Computational evidence/predictors indicate the variant has deleterious effect on POLG structure, function, or protein-protein interaction. PP4:Patient's phenotype or family history is highly specific for POLG. Based on the evidence criteria codes applied, the variant is suggested to be Likely Pathogenic.